The following is an entry in ClinVar:

NM_000059.4(BRCA2):c.2542A>T (p.Lys848Ter)

Gene: BRCA2 (BRCA2 DNA repair associated; plus strand). Cytogenetic location: 13q13.1.
Variant type: single nucleotide variant.
Coding change: c.2542A>T on transcript NM_000059.4 (MANE Select); coding-DNA position 2542, A replaced by T.
Protein change: p.Lys848Ter; replaces lysine 848 with a stop codon.
Molecular consequence: nonsense. On other transcripts: non-coding transcript variant (1), intron variant (2).
Genome position (GRCh38, 1-based): chr13:32,336,897, A>T. VCF-style: chr13-32336897-A-T. GRCh37 (hg19) VCF-style: chr13-32911034-A-T.
Other names: c.2542A>T, p.Lys848Ter (NM_001406719.1, NM_001406720.1, NM_001432077.1); c.1909+3510A>T (NM_001406721.1); c.424+5867A>T (NM_001406722.1); short protein forms K848*.
Identifiers: ClinVar variation 3765268 (VCV003765268.2).
Genomic context (GRCh38, chr13:32,336,897, plus strand): 5'-TATAAAAACGTTGAGCTGTTGCCACCTGAAAAATACATGAGAGTAGCATCACCTTCAAGA[A>T]AGGTACAATTCAACCAAAACACAAATCTAAGAGTAATCCAAAAAAATCAAGAAGAAACTA-3'

ClinVar aggregate classification (germline): Pathogenic. Review status: criteria provided, multiple submitters, no conflicts (2 of 4 stars). 2 submissions from 2 submitters: Pathogenic (2). Last evaluated 2025-03-04.

Conditions:
Familial cancer of breast. Also called: Hereditary breast cancer; BREAST CANCER, FAMILIAL; hereditary breast carcinoma. Identifiers: Orphanet 227535, MedGen C0346153, MONDO:0016419, OMIM 114480. Disease mechanism: loss of function.

Submissions (2):

Center for Genomic Medicine, Rigshospitalet, Copenhagen University Hospital
Classification: Pathogenic. Last evaluated: 2025-03-04. Review status: criteria provided, single submitter. Criteria: ACMG Guidelines, 2015. Collection method: clinical testing. Allele origin: germline.

Department of Clinical Genetics, Copenhagen University Hospital, Rigshospitalet
Classification: Pathogenic for Familial cancer of breast. Last evaluated: 2025-02-19. Review status: criteria provided, single submitter. Criteria: ACMG Guidelines, 2015. Collection method: clinical testing. Allele origin: germline.
Comment: The following ACMG criteria has been used: PM2_SUP; PVS1; PM5_PTC